The following is an entry in ClinVar:

ClinVar aggregate classification (germline): Uncertain significance (1 of 4 stars; one submission).

Conditions:
Familial temporal lobe epilepsy 7. Identifiers: Orphanet 101046, MedGen C4225327, MONDO:0014639, OMIM 616436.
Norman-Roberts syndrome (LIS2). Also called: Lissencephaly 2 (Norman-Roberts type). Identifiers: Orphanet 89844, MedGen C0796089, MONDO:0009760, OMIM 257320.

gnomAD v4.1: 1 of 1,613,374 alleles (0.000062%); highest among the groups gnomAD compares: Non-Finnish European, 0.000085%; no homozygotes.

Submission:

Labcorp Genetics (formerly Invitae), Labcorp
Classification: Uncertain significance for Familial temporal lobe epilepsy 7; Norman-Roberts syndrome. Last evaluated: 2024-04-17. Review status: criteria provided, single submitter. Criteria: Invitae Variant Classification Sherloc (09022015). Collection method: clinical testing. Allele origin: germline.
Comment: This sequence change replaces valine, which is neutral and non-polar, with methionine, which is neutral and non-polar, at codon 2740 of the RELN protein (p.Val2740Met). This variant is not present in population databases (gnomAD no frequency). This variant has not been reported in the literature in individuals affected with RELN-related conditions. Advanced modeling of protein sequence and biophysical properties (such as structural, functional, and spatial information, amino acid conservation, physicochemical variation, residue mobility, and thermodynamic stability) performed at Invitae indicates that this missense variant is not expected to disrupt RELN protein function with a negative predictive value of 80%. In summary, the available evidence is currently insufficient to determine the role of this variant in disease. Therefore, it has been classified as a Variant of Uncertain Significance.

NM_005045.4(RELN):c.8218G>A (p.Val2740Met)

Genes: RELN (reelin; minus strand), SLC26A5-AS1 (SLC26A5 antisense RNA 1; plus strand). Cytogenetic location: 7q22.1.
Variant type: single nucleotide variant.
Coding change: c.8218G>A on transcript NM_005045.4 (MANE Select); coding-DNA position 8218, G replaced by A.
Protein change: p.Val2740Met; replaces valine 2740 with methionine.
Molecular consequence: missense variant.
Genome position (GRCh38, 1-based): chr7:103,510,907, C>T on the plus strand (G>A on the coding strand, the complement: RELN is on the minus strand). VCF-style: chr7-103510907-C-T. GRCh37 (hg19) VCF-style: chr7-103151354-C-T.
Other names: c.8218G>A, p.Val2740Met (NM_173054.3); short protein forms V2740M.
Identifiers: ClinVar variation 3763068 (VCV003763068.2).